The following is an entry in ClinVar:

NM_000051.4(ATM):c.2390A>C (p.Lys797Thr)

Gene: ATM (ATM serine/threonine kinase; plus strand). Cytogenetic location: 11q22.3.
Variant type: single nucleotide variant.
Coding change: c.2390A>C on transcript NM_000051.4 (MANE Select); coding-DNA position 2390, A replaced by C.
Protein change: p.Lys797Thr; replaces lysine 797 with threonine.
Molecular consequence: missense variant.
Genome position (GRCh38, 1-based): chr11:108,258,999, A>C. VCF-style: chr11-108258999-A-C. GRCh37 (hg19) VCF-style: chr11-108129726-A-C.
Other names: c.2390A>C, p.Lys797Thr (NM_001351834.2); short protein forms K797T.
Identifiers: ClinVar variation 1367266 (VCV001367266.8), dbSNP rs2135420825, ClinGen allele CA382541072.

ClinVar aggregate classification (germline): Uncertain significance (1 of 4 stars; one submission).

Conditions:
Ataxia-telangiectasia syndrome (AT). Also called: Cerebello-oculocutaneous telangiectasia; Immunodeficiency with ataxia telangiectasia; AT, COMPLEMENTATION GROUP C; Ataxia-telangiectasia, complementation group E; LOUIS-BAR SYNDROME; ATAXIA-TELANGIECTASIA, COMPLEMENTATION GROUP A. Identifiers: Orphanet 100, MedGen C0004135, MONDO:0008840, OMIM 208900.

Submission:

Labcorp Genetics (formerly Invitae), Labcorp
Classification: Uncertain significance for Ataxia-telangiectasia syndrome. Last evaluated: 2021-07-13. Review status: criteria provided, single submitter. Criteria: Invitae Variant Classification Sherloc (09022015). Collection method: clinical testing. Allele origin: germline.
Comment: In summary, the available evidence is currently insufficient to determine the role of this variant in disease. Therefore, it has been classified as a Variant of Uncertain Significance. Advanced modeling of protein sequence and biophysical properties (such as structural, functional, and spatial information, amino acid conservation, physicochemical variation, residue mobility, and thermodynamic stability) performed at Invitae indicates that this missense variant is not expected to disrupt ATM protein function. This variant has not been reported in the literature in individuals affected with ATM-related conditions. This variant is not present in population databases (ExAC no frequency). This sequence change replaces lysine with threonine at codon 797 of the ATM protein (p.Lys797Thr). The lysine residue is moderately conserved and there is a moderate physicochemical difference between lysine and threonine.